The following is an entry in ClinVar:

NM_024741.3(ZNF408):c.1696C>A (p.Leu566Ile)

Gene: ZNF408 (zinc finger protein 408; plus strand). Cytogenetic location: 11p11.2.
Variant type: single nucleotide variant.
Coding change: c.1696C>A on transcript NM_024741.3 (MANE Select); coding-DNA position 1696, C replaced by A.
Protein change: p.Leu566Ile; replaces leucine 566 with isoleucine.
Molecular consequence: missense variant.
Genome position (GRCh38, 1-based): chr11:46,705,396, C>A. VCF-style: chr11-46705396-C-A. GRCh37 (hg19) VCF-style: chr11-46726946-C-A.
Other names: c.1672C>A, p.Leu558Ile (NM_001184751.2); short protein forms L558I, L566I.
Identifiers: ClinVar variation 934603 (VCV000934603.10), dbSNP rs762589100, ClinGen allele CA5966625.

ClinVar aggregate classification (germline): Uncertain significance. Review status: criteria provided, multiple submitters, no conflicts (2 of 4 stars). 2 submissions from 2 submitters: Uncertain significance (2). Last evaluated 2025-02-01.

Conditions:
Inborn genetic diseases. Identifiers: MedGen C0950123, MeSH D030342.

Allele frequency attached by ClinVar (database versions not stated): gnomAD exomes 0.00001 and 0.00002; TOPMed 0.00001; ExAC 0.00003.
gnomAD v4.1: 5 of 1,608,340 alleles (0.00031%); highest among the groups gnomAD compares: Admixed American, 0.0083%; no homozygotes.

Submissions (2):

Labcorp Genetics (formerly Invitae), Labcorp
Classification: Uncertain significance. Last evaluated: 2025-02-01. Review status: criteria provided, single submitter. Criteria: Invitae Variant Classification Sherloc (09022015). Collection method: clinical testing. Allele origin: germline.
Comment: This sequence change replaces leucine, which is neutral and non-polar, with isoleucine, which is neutral and non-polar, at codon 566 of the ZNF408 protein (p.Leu566Ile). This variant is present in population databases (rs762589100, gnomAD 0.02%). This missense change has been observed in individual(s) with clinical features of inherited retinal dystrophy (internal data). ClinVar contains an entry for this variant (Variation ID: 934603). An algorithm developed to predict the effect of missense changes on protein structure and function (PolyPhen-2) suggests that this variant is likely to be disruptive. In summary, the available evidence is currently insufficient to determine the role of this variant in disease. Therefore, it has been classified as a Variant of Uncertain Significance.

Ambry Genetics
Classification: Uncertain significance for Inborn genetic diseases. Last evaluated: 2025-01-19. Review status: criteria provided, single submitter. Criteria: Ambry Variant Classification Scheme 2023. Collection method: clinical testing. Allele origin: germline.